The following is an entry in ClinVar:

ClinVar aggregate classification (germline): Uncertain significance. Review status: criteria provided, multiple submitters, no conflicts (2 of 4 stars). 5 submissions from 5 submitters: Uncertain significance (5). Last evaluated 2023-01-10.

Conditions:
3M syndrome 2. Also called: 3-M Syndrome, OBSL1-Related; THREE M SYNDROME 2. Identifiers: Orphanet 2616, MedGen C2752041, MONDO:0013039, OMIM 612921.

Allele frequency attached by ClinVar (database versions not stated): TOPMed 0.00005.
gnomAD v4.1: 83 of 1,547,202 alleles (0.0054%); highest among the groups gnomAD compares: Middle Eastern, 0.19%; no homozygotes.

Submissions (5):

Institute for Clinical Genetics, University Hospital TU Dresden, University Hospital TU Dresden
Classification: Uncertain significance. Last evaluated: 2023-01-10. Review status: criteria provided, single submitter. Criteria: ACMG Guidelines, 2015. Collection method: clinical testing. Allele origin: paternal.
Comment: PP3, PM2_SUP

Labcorp Genetics (formerly Invitae), Labcorp
Classification: Uncertain significance. Last evaluated: 2022-03-02. Review status: criteria provided, single submitter. Criteria: Invitae Variant Classification Sherloc (09022015). Collection method: clinical testing. Allele origin: germline.
Comment: In summary, the available evidence is currently insufficient to determine the role of this variant in disease. Therefore, it has been classified as a Variant of Uncertain Significance. Algorithms developed to predict the effect of missense changes on protein structure and function are either unavailable or do not agree on the potential impact of this missense change (SIFT: "Deleterious"; PolyPhen-2: "Probably Damaging"; Align-GVGD: "Class C0"). ClinVar contains an entry for this variant (Variation ID: 334489). This variant has not been reported in the literature in individuals affected with OBSL1-related conditions. This variant is present in population databases (rs375716830, gnomAD 0.008%). This sequence change replaces aspartic acid, which is acidic and polar, with glutamic acid, which is acidic and polar, at codon 1335 of the OBSL1 protein (p.Asp1335Glu).

Fulgent Genetics
Classification: Uncertain significance for 3M syndrome 2. Last evaluated: 2021-10-11. Review status: criteria provided, single submitter. Criteria: ACMG Guidelines, 2015. Collection method: clinical testing. Allele origin: unknown.

CeGaT Center for Human Genetics Tuebingen
Classification: Uncertain significance. Last evaluated: 2018-05-01. Review status: criteria provided, single submitter. Criteria: CeGaT Center For Human Genetics Tuebingen Variant Classification Criteria Version 2. Collection method: clinical testing. Allele origin: germline. Affected: yes. Observed: 1 variant allele.

Illumina Laboratory Services, Illumina
Classification: Uncertain significance for 3M syndrome 2. Last evaluated: 2018-01-13. Review status: criteria provided, single submitter. Criteria: ICSL Variant Classification Criteria 13 December 2019. Collection method: clinical testing. Allele origin: germline.

NM_015311.3(OBSL1):c.4005C>A (p.Asp1335Glu)

Gene: OBSL1 (obscurin like cytoskeletal adaptor 1; minus strand). Cytogenetic location: 2q35.
Variant type: single nucleotide variant.
Coding change: c.4005C>A on transcript NM_015311.3 (MANE Select); coding-DNA position 4005, C replaced by A.
Protein change: p.Asp1335Glu; replaces aspartic acid 1335 with glutamic acid.
Molecular consequence: missense variant.
Genome position (GRCh38, 1-based): chr2:219,557,404, G>T on the plus strand (C>A on the coding strand, the complement: OBSL1 is on the minus strand). VCF-style: chr2-219557404-G-T. GRCh37 (hg19) VCF-style: chr2-220422126-G-T.
Other names: c.4005C>A, p.Asp1335Glu (NM_001173431.2); short protein forms D1335E.
Identifiers: ClinVar variation 334489 (VCV000334489.53), dbSNP rs375716830, ClinGen allele CA2130697.